The following is an entry in ClinVar:

ClinVar aggregate classification (germline): Uncertain significance (1 of 4 stars; one submission).

Allele frequency attached by ClinVar (database versions not stated): gnomAD 0.00001 and 0.00003; gnomAD exomes 0.00001 and 0.00002; TOPMed 0.00001; ExAC 0.00002.
gnomAD v4.1: 32 of 1,566,620 alleles (0.002%); highest among the groups gnomAD compares: South Asian, 0.0036%; no homozygotes.

Submission:

Labcorp Genetics (formerly Invitae), Labcorp
Classification: Uncertain significance. Last evaluated: 2025-08-21. Review status: criteria provided, single submitter. Criteria: Invitae Variant Classification Sherloc (09022015). Collection method: clinical testing. Allele origin: germline.
Comment: This sequence change replaces arginine, which is basic and polar, with tryptophan, which is neutral and slightly polar, at codon 48 of the GNB3 protein (p.Arg48Trp). This variant is present in population databases (rs781805018, gnomAD 0.004%). This variant has not been reported in the literature in individuals affected with GNB3-related conditions. ClinVar contains an entry for this variant (Variation ID: 1006652). Invitae Evidence Modeling of protein sequence and biophysical properties (such as structural, functional, and spatial information, amino acid conservation, physicochemical variation, residue mobility, and thermodynamic stability) indicates that this missense variant is expected to disrupt GNB3 protein function with a positive predictive value of 80%. In summary, the available evidence is currently insufficient to determine the role of this variant in disease. Therefore, it has been classified as a Variant of Uncertain Significance.

NM_002075.4(GNB3):c.142C>T (p.Arg48Trp)

Gene: GNB3 (G protein subunit beta 3; plus strand). Cytogenetic location: 12p13.31.
Variant type: single nucleotide variant.
Coding change: c.142C>T on transcript NM_002075.4 (MANE Select); coding-DNA position 142, C replaced by T.
Protein change: p.Arg48Trp; replaces arginine 48 with tryptophan.
Molecular consequence: missense variant.
Genome position (GRCh38, 1-based): chr12:6,843,015, C>T. VCF-style: chr12-6843015-C-T. GRCh37 (hg19) VCF-style: chr12-6952179-C-T.
Other names: c.142C>T, p.Arg48Trp (NM_001297571.2); short protein forms R48W.
Identifiers: ClinVar variation 1006652 (VCV001006652.8), dbSNP rs781805018, ClinGen allele CA6417425.